The following is an entry in ClinVar:

NM_015015.3(KDM4B):c.1402C>T (p.Pro468Ser)

Gene: KDM4B (lysine demethylase 4B; plus strand). Cytogenetic location: 19p13.3.
Variant type: single nucleotide variant.
Coding change: c.1402C>T on transcript NM_015015.3 (MANE Select); coding-DNA position 1402, C replaced by T.
Protein change: p.Pro468Ser; replaces proline 468 with serine.
Molecular consequence: missense variant.
Genome position (GRCh38, 1-based): chr19:5,131,162, C>T. VCF-style: chr19-5131162-C-T. GRCh37 (hg19) VCF-style: chr19-5131173-C-T.
Other names: c.1504C>T, p.Pro502Ser (NM_001411148.1); short protein forms P468S, P502S.
Identifiers: ClinVar variation 2581688 (VCV002581688.1), dbSNP rs756272415, ClinGen allele CA9107830.

ClinVar aggregate classification (germline): Uncertain significance (1 of 4 stars; one submission).

Submission:

Women's Health and Genetics/Laboratory Corporation of America, LabCorp
Classification: Uncertain significance. Last evaluated: 2023-08-14. Review status: criteria provided, single submitter. Criteria: LabCorp Variant Classification Summary - May 2015. Collection method: clinical testing. Allele origin: germline.
Comment: Variant summary: JMJD2B c.1402C>T (p.Pro468Ser) results in a non-conservative amino acid change in the encoded protein sequence. Four of five in-silico tools predict a benign effect of the variant on protein function. The variant was absent in 213706 control chromosomes. The available data on variant occurrences in the general population are insufficient to allow any conclusion about variant significance. To our knowledge, no occurrence of c.1402C>T in individuals affected with Intellectual Developmental Disorder, Autosomal Dominant 65 and no experimental evidence demonstrating its impact on protein function have been reported. No submitters have cited clinical-significance assessments for this variant to ClinVar after 2014. Based on the evidence outlined above, the variant was classified as uncertain significance.